The following is an entry in ClinVar:

NM_001368894.2(PAX6):c.141+3G>A

Gene: PAX6 (paired box 6; minus strand). Cytogenetic location: 11p13.
Variant type: single nucleotide variant.
Coding change: c.141+3G>A on transcript NM_001368894.2 (MANE Select); 3 bases into the intron after coding-DNA position 141, G replaced by A.
Molecular consequence: intron variant. On other transcripts: synonymous variant (3).
Genome position (GRCh38, 1-based): chr11:31,802,701, C>T on the plus strand (G>A on the coding strand, the complement: PAX6 is on the minus strand). VCF-style: chr11-31802701-C-T. GRCh37 (hg19) VCF-style: chr11-31824249-C-T.
Other names: c.144G>A, p.Val48= (NM_001368918.2, NM_001368919.2, NM_001368920.2); c.141+3G>A (NM_001127612.3, NM_001368921.2, NM_001368923.2 and 27 more transcripts); c.384+3G>A (NM_001368910.2); c.-267-925G>A (NM_001368909.2, NM_001368904.2); c.144+3G>A (NM_001368911.2); c.-641+3G>A (NM_001368905.2, NM_001310160.2); c.-268+3G>A (NM_001368906.2, NM_001368901.2, NM_001368899.2 and 1 more transcripts); c.-310+3G>A (NM_001368908.2, NM_001310161.3, NM_001368900.2 and 2 more transcripts); and 1 more.
Identifiers: ClinVar variation 2073277 (VCV002073277.4), dbSNP rs369243018, ClinGen allele CA5933970.

ClinVar aggregate classification (germline): Uncertain significance (1 of 4 stars; one submission).

Conditions:
Aniridia 1 (AN1). Identifiers: Orphanet 250923, MedGen C0344542, MONDO:0024507, OMIM 106210.
Irido-corneo-trabecular dysgenesis (ASGD5). Also called: ANTERIOR SEGMENT DYSGENESIS 5. Identifiers: Orphanet 708, MedGen C0344559, MONDO:0011414, OMIM 604229, HP:0000659.

Allele frequency attached by ClinVar (database versions not stated): ExAC 0.00001; gnomAD 0.00001; TOPMed 0.00001; ESP Exome Variant Server 0.00008.

Submission:

Labcorp Genetics (formerly Invitae), Labcorp
Classification: Uncertain significance for Aniridia 1; Irido-corneo-trabecular dysgenesis. Last evaluated: 2022-01-03. Review status: criteria provided, single submitter. Criteria: Invitae Variant Classification Sherloc (09022015). Collection method: clinical testing. Allele origin: germline.
Comment: In summary, the available evidence is currently insufficient to determine the role of this variant in disease. Therefore, it has been classified as a Variant of Uncertain Significance. Variants that disrupt the consensus splice site are a relatively common cause of aberrant splicing (PMID: 17576681, 9536098). Algorithms developed to predict the effect of sequence changes on RNA splicing suggest that this variant may create or strengthen a splice site. This variant has not been reported in the literature in individuals affected with PAX6-related conditions. The frequency data for this variant in the population databases is considered unreliable, as metrics indicate poor data quality at this position in the gnomAD database. This sequence change falls in intron 5 of the PAX6 gene. It does not directly change the encoded amino acid sequence of the PAX6 protein. It affects a nucleotide within the consensus splice site.

Literature cited by the submitters: PubMed 17576681; PubMed 9536098.